The following is an entry in ClinVar:

ClinVar aggregate classification (germline): Uncertain significance (1 of 4 stars; one submission).

Conditions:
Cardiovascular phenotype. Identifiers: MedGen CN230736.

gnomAD v4.1: 1 of 1,614,160 alleles (0.000062%); highest among the groups gnomAD compares: Non-Finnish European, 0.000085%; no homozygotes.

Submission:

Ambry Genetics
Classification: Uncertain significance for Cardiovascular phenotype. Last evaluated: 2026-03-01. Review status: criteria provided, single submitter. Criteria: Ambry Variant Classification Scheme 2023. Collection method: clinical testing. Allele origin: germline.
Comment: The p.N636S variant (also known as c.1907A>G), located in coding exon 14 of the APOB gene, results from an A to G substitution at nucleotide position 1907. The asparagine at codon 636 is replaced by serine, an amino acid with highly similar properties. This amino acid position is conserved. In addition, this alteration is predicted to be tolerated by in silico analysis. Based on the available evidence, the clinical significance of this variant remains unclear.

NM_000384.3(APOB):c.1907A>G (p.Asn636Ser)

Gene: APOB (apolipoprotein B; minus strand). Cytogenetic location: 2p24.1.
Variant type: single nucleotide variant.
Coding change: c.1907A>G on transcript NM_000384.3 (MANE Select); coding-DNA position 1907, A replaced by G.
Protein change: p.Asn636Ser; replaces asparagine 636 with serine.
Molecular consequence: missense variant.
Genome position (GRCh38, 1-based): chr2:21,027,988, T>C on the plus strand (A>G on the coding strand, the complement: APOB is on the minus strand). VCF-style: chr2-21027988-T-C. GRCh37 (hg19) VCF-style: chr2-21250860-T-C.
Other names: short protein forms N636S.
Identifiers: ClinVar variation 4826820 (VCV004826820.1).
Genomic context (GRCh38, chr2:21,027,988, plus strand): 5'-TCTATTTTGGCTGAGGCTGGGTCAAGTGATGGAAGAGAAACAGATTTGTAGAGTTGATAG[T>C]TCCGAGAGAATTTTCTGAAGTCCATGACAGTTGGAAGTTGAGATTCTTTCAGAGCTTCTT-3'
Protein context (NP_000375.3, residues 626-646): TVMDFRKFSR[Asn636Ser]YQLYKSVSLP